The following is an entry in ClinVar:

NM_173651.4(FSIP2):c.17198A>T (p.Lys5733Ile)

Gene: FSIP2 (fibrous sheath interacting protein 2; plus strand). Cytogenetic location: 2q32.1.
Variant type: single nucleotide variant.
Coding change: c.17198A>T on transcript NM_173651.4 (MANE Select); coding-DNA position 17198, A replaced by T.
Protein change: p.Lys5733Ile; replaces lysine 5733 with isoleucine.
Molecular consequence: missense variant.
Genome position (GRCh38, 1-based): chr2:185,806,504, A>T. VCF-style: chr2-185806504-A-T. GRCh37 (hg19) VCF-style: chr2-186671231-A-T.
Other names: short protein forms K5733I.
Identifiers: ClinVar variation 3035269 (VCV003035269.15), dbSNP rs143041186, ClinGen allele CA2017367.

ClinVar aggregate classification (germline): Likely benign. Review status: criteria provided, single submitter (1 of 4 stars). 2 submissions from 2 submitters: Likely benign (1). 1 of the submissions does not count toward it. Last evaluated 2026-03-01.

Conditions:
FSIP2-related disorder. Also called: FSIP2-related condition.

Allele frequency attached by ClinVar (database versions not stated): gnomAD exomes 0.00133; ExAC 0.00192; ESP Exome Variant Server 0.00340; gnomAD 0.00352; TOPMed 0.00454; 1000 Genomes Project 0.00479; 1000 Genomes Project 30x 0.00515.
gnomAD v4.1: 2,597 of 1,602,600 alleles (0.16%); highest among the groups gnomAD compares: Middle Eastern, 0.89%; 12 homozygotes.

Submissions (2):

CeGaT Center for Human Genetics Tuebingen
Classification: Likely benign. Last evaluated: 2026-03-01. Review status: criteria provided, single submitter. Criteria: CeGaT Center For Human Genetics Tuebingen Variant Classification Criteria Version 2. Collection method: clinical testing. Allele origin: germline. Affected: yes. Observed: 4 variant alleles.
Comment: FSIP2: BP4, BS2

PreventionGenetics, part of Exact Sciences
Classification: Likely benign for FSIP2-related condition. Last evaluated: 2019-02-22. Review status: no assertion criteria provided. Collection method: clinical testing. Allele origin: germline. Not counted in ClinVar's aggregate classification.
Comment: This variant is classified as likely benign based on ACMG/AMP sequence variant interpretation guidelines (Richards et al. 2015 PMID: 25741868, with internal and published modifications).